The following is an entry in ClinVar:

NM_002834.5(PTPN11):c.1235A>G (p.Glu412Gly)

Gene: PTPN11 (protein tyrosine phosphatase non-receptor type 11; plus strand). Cytogenetic location: 12q24.13.
Variant type: single nucleotide variant.
Coding change: c.1235A>G on transcript NM_002834.5 (MANE Select); coding-DNA position 1235, A replaced by G.
Protein change: p.Glu412Gly; replaces glutamic acid 412 with glycine.
Molecular consequence: missense variant.
Genome position (GRCh38, 1-based): chr12:112,486,485, A>G. VCF-style: chr12-112486485-A-G. GRCh37 (hg19) VCF-style: chr12-112924289-A-G.
Other names: c.1247A>G, p.Glu416Gly (NM_001330437.2); c.1232A>G, p.Glu411Gly (NM_001374625.1); c.1235A>G, p.Glu412Gly (NM_080601.3); short protein forms E416G, E412G, E411G.
Identifiers: ClinVar variation 1517313 (VCV001517313.9), dbSNP rs2038677213, ClinGen allele CA386776935.
Genomic context (GRCh38, chr12:112,486,485, plus strand): 5'-ACCTCTTGATTTATTTAATTCTTTTCTGGTTTTTCTTGGCTCTACTCCAGGGGAATACGG[A>G]GAGAACGGTCTGGCAATACCACTTTCGGACCTGGCCGGACCACGGCGTGCCCAGCGACCC-3'
Protein context (NP_002825.3, residues 402-422): KLSKVGQGNT[Glu412Gly]RTVWQYHFRT

ClinVar aggregate classification (germline): Uncertain significance. Review status: criteria provided, multiple submitters, no conflicts (2 of 4 stars). 2 submissions from 2 submitters: Uncertain significance (2). Last evaluated 2025-11-03.

Conditions:
RASopathy. Also called: Noonan spectrum disorder; rasopathies. Identifiers: Orphanet 536391, MedGen C5555857, MONDO:0021060.

Allele frequency attached by ClinVar (database versions not stated): TOPMed below 0.00001.

Submissions (2):

Labcorp Genetics (formerly Invitae), Labcorp
Classification: Uncertain significance for RASopathy. Last evaluated: 2025-11-03. Review status: criteria provided, single submitter. Criteria: Invitae Variant Classification Sherloc (09022015). Collection method: clinical testing. Allele origin: germline.
Comment: This sequence change replaces glutamic acid, which is acidic and polar, with glycine, which is neutral and non-polar, at codon 412 of the PTPN11 protein (p.Glu412Gly). This variant is not present in population databases (gnomAD no frequency). This variant has not been reported in the literature in individuals affected with PTPN11-related conditions. ClinVar contains an entry for this variant (Variation ID: 1517313). Invitae Evidence Modeling of protein sequence and biophysical properties (such as structural, functional, and spatial information, amino acid conservation, physicochemical variation, residue mobility, and thermodynamic stability) has been performed for this missense variant. However, the output from this modeling did not meet the statistical confidence thresholds required to predict the impact of this variant on PTPN11 protein function. In summary, the available evidence is currently insufficient to determine the role of this variant in disease. Therefore, it has been classified as a Variant of Uncertain Significance.

Women's Health and Genetics/Laboratory Corporation of America, LabCorp
Classification: Uncertain significance. Last evaluated: 2024-09-16. Review status: criteria provided, single submitter. Criteria: LabCorp Variant Classification Summary - May 2015. Collection method: clinical testing. Allele origin: germline.
Comment: Variant summary: PTPN11 c.1235A>G (p.Glu412Gly) results in a non-conservative amino acid change located in the Tyrosine-specific protein phosphatase, PTPase domain (IPR000242) of the encoded protein sequence. Three of five in-silico tools predict a benign effect of the variant on protein function. The variant was absent in 250992 control chromosomes. The available data on variant occurrences in the general population are insufficient to allow any conclusion about variant significance. To our knowledge, no occurrence of c.1235A>G in individuals affected with Noonan Syndrome and no experimental evidence demonstrating its impact on protein function have been reported. ClinVar contains an entry for this variant (Variation ID: 1517313). Based on the evidence outlined above, the variant was classified as uncertain significance.